The following is an entry in ClinVar:

NM_144670.6(A2ML1):c.3076T>G (p.Phe1026Val)

Gene: A2ML1 (alpha-2-macroglobulin like 1; plus strand). Cytogenetic location: 12p13.31.
Variant type: single nucleotide variant.
Coding change: c.3076T>G on transcript NM_144670.6 (MANE Select); coding-DNA position 3076, T replaced by G.
Protein change: p.Phe1026Val; replaces phenylalanine 1026 with valine.
Molecular consequence: missense variant.
Genome position (GRCh38, 1-based): chr12:8,857,557, T>G. VCF-style: chr12-8857557-T-G. GRCh37 (hg19) VCF-style: chr12-9010153-T-G.
Other names: c.1603T>G, p.Phe535Val (NM_001282424.3); short protein forms F1026V, F535V.
Identifiers: ClinVar variation 4846774 (VCV004846774.1).

ClinVar aggregate classification (germline): Uncertain significance (1 of 4 stars; one submission).

Conditions:
Otitis media, susceptibility to (OMS). Also called: COME/ROM; OTITIS MEDIA, CHRONIC/RECURRENT. Identifiers: MedGen C1833692, MONDO:0008162, OMIM 166760.

Submission:

Laboratorio de Genetica e Diagnostico Molecular, Hospital Israelita Albert Einstein
Classification: Uncertain significance for Otitis media, susceptibility to. Last evaluated: 2023-02-24. Review status: criteria provided, single submitter. Criteria: ACMG Guidelines, 2015. Collection method: clinical testing. Allele origin: germline. Affected: yes.
Comment: ACMG classification criteria: PM2 moderate